The following is an entry in ClinVar:

ClinVar aggregate classification (germline): Uncertain significance. Review status: criteria provided, multiple submitters, no conflicts (2 of 4 stars). 2 submissions from 2 submitters: Uncertain significance (2). Last evaluated 2025-01-21.

Conditions:
Hereditary cancer-predisposing syndrome. Also called: Tumor predisposition; Hereditary neoplastic syndrome; Neoplastic Syndromes, Hereditary; Hereditary Cancer Syndrome. Identifiers: Orphanet 140162, MedGen C0027672, MeSH D009386, MONDO:0015356.
Parathyroid carcinoma (PRTC). Also called: CDC73-Related Parathyroid Carcinoma; Parathyroid gland carcinoma. Identifiers: Orphanet 143, MedGen C0687150, MONDO:0012004, OMIM 608266, HP:0006780.

Submissions (2):

Labcorp Genetics (formerly Invitae), Labcorp
Classification: Uncertain significance for Parathyroid carcinoma. Last evaluated: 2025-01-21. Review status: criteria provided, single submitter. Criteria: Invitae Variant Classification Sherloc (09022015). Collection method: clinical testing. Allele origin: germline.
Comment: This sequence change replaces asparagine, which is neutral and polar, with histidine, which is basic and polar, at codon 65 of the CDC73 protein (p.Asn65His). This variant is not present in population databases (gnomAD no frequency). This variant has not been reported in the literature in individuals affected with CDC73-related conditions. ClinVar contains an entry for this variant (Variation ID: 1427999). Invitae Evidence Modeling of protein sequence and biophysical properties (such as structural, functional, and spatial information, amino acid conservation, physicochemical variation, residue mobility, and thermodynamic stability) indicates that this missense variant is not expected to disrupt CDC73 protein function with a negative predictive value of 80%. In summary, the available evidence is currently insufficient to determine the role of this variant in disease. Therefore, it has been classified as a Variant of Uncertain Significance.

Ambry Genetics
Classification: Uncertain significance for Hereditary cancer-predisposing syndrome. Last evaluated: 2024-10-17. Review status: criteria provided, single submitter. Criteria: Ambry Variant Classification Scheme 2023. Collection method: clinical testing. Allele origin: germline.
Comment: The p.N65H variant (also known as c.193A>C), located in coding exon 2 of the CDC73 gene, results from an A to C substitution at nucleotide position 193. The asparagine at codon 65 is replaced by histidine, an amino acid with similar properties. This amino acid position is conserved. In addition, the in silico prediction for this alteration is inconclusive. Based on the available evidence, the clinical significance of this variant remains unclear.

NM_024529.5(CDC73):c.193A>C (p.Asn65His)

Gene: CDC73 (cell division cycle 73; plus strand). Cytogenetic location: 1q31.2.
Variant type: single nucleotide variant.
Coding change: c.193A>C on transcript NM_024529.5 (MANE Select); coding-DNA position 193, A replaced by C.
Protein change: p.Asn65His; replaces asparagine 65 with histidine.
Molecular consequence: missense variant.
Genome position (GRCh38, 1-based): chr1:193,125,173, A>C. VCF-style: chr1-193125173-A-C. GRCh37 (hg19) VCF-style: chr1-193094303-A-C.
Other names: c.193A>C (NM_024529.4); short protein forms N65H.
Identifiers: ClinVar variation 1427999 (VCV001427999.7), dbSNP rs2103113994, ClinGen allele CA343973162.